The following is an entry in ClinVar:

NM_000368.5(TSC1):c.106+8A>G

Gene: TSC1 (TSC complex subunit 1; minus strand). Cytogenetic location: 9q34.13.
Variant type: single nucleotide variant.
Coding change: c.106+8A>G on transcript NM_000368.5 (MANE Select); 8 bases into the intron after coding-DNA position 106, A replaced by G.
Molecular consequence: intron variant.
Genome position (GRCh38, 1-based): chr9:132,928,759, T>C on the plus strand (A>G on the coding strand, the complement: TSC1 is on the minus strand). VCF-style: chr9-132928759-T-C. GRCh37 (hg19) VCF-style: chr9-135804146-T-C.
Other names: c.106+8A>G (NM_001406593.1, NM_001406596.1, NM_001406611.1 and 21 more transcripts); c.-154+8A>G (NM_001406622.1, NM_001362177.2, NM_001406625.1 and 3 more transcripts); c.-246+8A>G (NM_001406614.1); c.-772+8A>G (NM_001406628.1, NM_001406626.1, NM_001406627.1); c.-988+8A>G (NM_001406630.1); c.-350+8A>G (NM_001406624.1, NM_001406616.1); c.-383+8A>G (NM_001406623.1, NM_001406615.1); c.-153-3020A>G (NM_001406620.1, NM_001406618.1); and 1 more.
Identifiers: ClinVar variation 4071083 (VCV004071083.2).

ClinVar aggregate classification (germline): Likely benign. Review status: criteria provided, multiple submitters, no conflicts (2 of 4 stars). 2 submissions from 2 submitters: Likely benign (2). Last evaluated 2025-05-06.

Conditions:
Tuberous sclerosis 1 (TSC1). Identifiers: Orphanet 805, MedGen C1854465, MONDO:0008612, OMIM 191100.

Submissions (2):

Labcorp Genetics (formerly Invitae), Labcorp
Classification: Likely benign for Tuberous sclerosis 1. Last evaluated: 2025-05-06. Review status: criteria provided, single submitter. Criteria: Invitae Variant Classification Sherloc (09022015). Collection method: clinical testing. Allele origin: germline.

Myriad Genetics, Inc.
Classification: Likely benign for Tuberous sclerosis 1. Last evaluated: 2025-04-07. Review status: criteria provided, single submitter. Criteria: Myriad Autosomal Dominant, Autosomal Recessive and X-Linked Classification Criteria (2023). Collection method: clinical testing. Allele origin: unknown.
Comment: This variant is considered likely benign. This variant is intronic and is not expected to impact mRNA splicing.